The following is an entry in ClinVar:

NM_024334.3(TMEM43):c.393-137_412dup

Gene: TMEM43 (transmembrane protein 43; plus strand). Cytogenetic location: 3p25.1.
Variant type: Duplication.
Coding change: c.393-137_412dup on transcript NM_024334.3 (MANE Select); 137 bases into the intron before coding-DNA position 393 through coding-DNA position 412, 157 bases duplicated.
Molecular consequence: splice acceptor variant.
Genome position (GRCh38, 1-based): chr3:14,132,409-14,132,565, 157 bases duplicated. GRCh37 (hg19): chr3:14,173,909-14,174,065.
Other names: c.393-137_412dup (NM_001407276.1, NM_001407275.1, NM_001407277.1 and 2 more transcripts); c.378-137_397dup (NM_001407278.1); c.243-137_262dup (NM_001407280.1).
Identifiers: ClinVar variation 3663394 (VCV003663394.2).

ClinVar aggregate classification (germline): Uncertain significance (1 of 4 stars; one submission).

Conditions:
Arrhythmogenic right ventricular dysplasia 5. Also called: Arrhythmogenic Right Ventricular Dysplasia/Cardiomyopathy 5; ARRHYTHMOGENIC RIGHT VENTRICULAR DYSPLASIA, FAMILIAL, 5. Identifiers: MedGen C1858379, MONDO:0011459, OMIM 604400.

Submission:

Labcorp Genetics (formerly Invitae), Labcorp
Classification: Uncertain significance for Arrhythmogenic right ventricular dysplasia 5. Last evaluated: 2024-12-04. Review status: criteria provided, single submitter. Criteria: Invitae Variant Classification Sherloc (09022015). Collection method: clinical testing. Allele origin: germline.
Comment: This sequence change falls in intron 4 of the TMEM43 gene. It does not directly change the encoded amino acid sequence of the TMEM43 protein. This variant is not present in population databases (gnomAD no frequency). This variant has not been reported in the literature in individuals affected with TMEM43-related conditions. This variant is also known as p.Gln138Leufs*3. In summary, the available evidence is currently insufficient to determine the role of this variant in disease. Therefore, it has been classified as a Variant of Uncertain Significance.